The following is an entry in ClinVar:

NM_170707.4(LMNA):c.1567G>C (p.Gly523Arg)

Gene: LMNA (lamin A/C; plus strand). Cytogenetic location: 1q22.
Variant type: single nucleotide variant.
Coding change: c.1567G>C on transcript NM_170707.4 (MANE Select); coding-DNA position 1567, G replaced by C.
Protein change: p.Gly523Arg; replaces glycine 523 with arginine.
Molecular consequence: missense variant.
Genome position (GRCh38, 1-based): chr1:156,137,191, G>C. VCF-style: chr1-156137191-G-C. GRCh37 (hg19) VCF-style: chr1-156106982-G-C.
Other names: p.G523R:GGG>CGG; c.1231G>C, p.Gly411Arg (NM_001257374.3); c.1324G>C, p.Gly442Arg (NM_001282624.2); c.1567G>C, p.Gly523Arg (NM_001282625.2, NM_001282626.2, NM_005572.4 and 1 more transcripts); short protein forms G523R, G411R, G442R.
Identifiers: ClinVar variation 200946 (VCV000200946.3), dbSNP rs201583907, ClinGen allele CA017471.

ClinVar aggregate classification (germline): Uncertain significance. Review status: criteria provided, multiple submitters, no conflicts (2 of 4 stars). 2 submissions from 2 submitters: Uncertain significance (2). Last evaluated 2023-04-10.

Conditions:
Primary dilated cardiomyopathy (DCM). Also called: Dilated Cardiomyopathy. Identifiers: Orphanet 217604, MedGen C0007193, MeSH D002311, MONDO:0005021, HP:0001644. Inheritance: Various modes of inheritance.

gnomAD v4.1: 1 of 1,606,940 alleles (0.000062%); highest among the groups gnomAD compares: Non-Finnish European, 0.000085%; no homozygotes.

Submissions (2):

All of Us Research Program, National Institutes of Health
Classification: Uncertain significance for Primary dilated cardiomyopathy. Last evaluated: 2023-04-10. Review status: criteria provided, single submitter. Criteria: ACMG Guidelines, 2015. Collection method: clinical testing. Allele origin: germline. Inheritance: Autosomal dominant inheritance. Observed: 1 variant allele, 1 heterozygote.
Comment: This missense variant replaces glycine with arginine at codon 523 of the LMNA protein. Computational prediction suggests that this variant may have deleterious impact on protein structure and function (internally defined REVEL score threshold >= 0.7, PMID: 27666373). One functional study showed a partial disruption to lamin A protein-protein interactions (PMID: 24623722). This variant has been reported in individuals affected with dilated cardiomyopathy (PMID: 29961767, 32826072). It has also been reported in individuals affected with familial partial lipodystrophy (PMID: 32193531) and in an individual affected with limb girdle muscular dystrophy type 1B (PMID: 29970176). This variant has not been identified in the general population by the Genome Aggregation Database (gnomAD). The available evidence is insufficient to determine the role of this variant in disease conclusively. Therefore, this variant is classified as a Variant of Uncertain Significance.

This study involves interpretation of variants in research participants for the purpose of population health screening. Participant phenotype was not available at the time of variant classification. Additional details can be found in publication PMID: 35346344, PMCID: PMC8962531

GeneDx
Classification: Uncertain significance. Last evaluated: 2017-10-03. Review status: criteria provided, single submitter. Criteria: GeneDx Variant Classification (06012015). Collection method: clinical testing. Allele origin: germline. Affected: yes.
Comment: The G523R (c.1567G>C) variant of uncertain significance in the LMNA gene has not been published in association with cardiomyopathy to our knowledge. However, a different nucleotide substitution resulting the same amino acid change (c.1567G>A) has previously been reported in association with DCM and LGMD (Millat et al., 2011; Pugh et al., 2014; Haas et al., 2015; Magri et al., 2015). The G523R (c.1567G>C) variant is not observed in large population cohorts (Lek et al., 2016). This variant is a non-conservative amino acid substitution, which is likely to impact secondary protein structure as these residues differ in polarity, charge, size and/or other properties. This substitution occurs within lamin tail domain (LTD) of the LMNA gene at a position that is conserved across species, and in silico analysis predicts this variant is probably damaging to the protein structure/function. Other pathogenic or likely pathogenic missense variants in nearby residues (R527C, R527H, T528K, T528R) have been reported in HGMD in association with LMNA-related disorders (Stenson et al., 2014), supporting the functional importance of this region of the protein. However, the G523R (c.1567G>C) variant lacks observation in a significant number of affected individuals, segregation data, and functional evidence, which would further clarify its pathogenicity.

Literature cited by the submitters: PubMed 24623722 (cited by All of Us Research Program, National Institutes of Health); PubMed 29961767 (cited by All of Us Research Program, National Institutes of Health); PubMed 29970176 (cited by All of Us Research Program, National Institutes of Health); PubMed 32193531 (cited by All of Us Research Program, National Institutes of Health); PubMed 32826072 (cited by All of Us Research Program, National Institutes of Health).